The following is an entry in ClinVar:

NM_144666.3(DNHD1):c.3801dup (p.Leu1268fs)

Gene: DNHD1 (dynein heavy chain domain 1; plus strand). Cytogenetic location: 11p15.4.
Variant type: Duplication.
Coding change: c.3801dup on transcript NM_144666.3 (MANE Select); coding-DNA position 3801, one base duplicated (T; older notation c.3801dupT).
Protein change: p.Leu1268fs; shifts the reading frame from leucine 1268.
Molecular consequence: frameshift variant.
Genome position (GRCh38, 1-based): chr11:6,544,620, T duplicated; the last of 5 consecutive T bases (chr11:6,544,616-6,544,620); duplicating any one gives the same sequence. VCF-style (leftmost placement, unchanged base first): chr11-6544615-A-AT. GRCh37 (hg19) VCF-style: chr11-6565845-A-AT.
Other names: short protein forms L1268fs.
Identifiers: ClinVar variation 4531207 (VCV004531207.1).
Genomic context (GRCh38, chr11:6,544,615, plus strand): 5'-CCTCTGGCTGCTTACACAGGTGCCCTGCTGGAGGTGTGGCTGACTTTCCAGCAGAAGTGG[A>AT]TTTTTCTGAATAAAGTTCTGCATGAGATGAAGATCCAGTTTCCTAATGCTGACCTGGTAG-3'

ClinVar aggregate classification (germline): Likely pathogenic (1 of 4 stars; one submission).

Conditions:
Spermatogenic failure 65 (SPGF65). Identifiers: MedGen C5562067, MONDO:0030531, OMIM 619712.

Submission:

Juno Genomics, Hangzhou Juno Genomics, Inc
Classification: Likely pathogenic for Spermatogenic failure 65. Review status: criteria provided, single submitter. Criteria: ACMG Guidelines, 2015. Collection method: clinical testing. Allele origin: germline. Affected: yes.
Comment: Absent from controls (or at extremely low frequency if recessive) in Genome Aggregation Database, Exome Sequencing Project, 1000 Genomes Project, or Exome Aggregation Consortium.;Null variant in a gene where loss of function (LOF) is a known mechanism of disease.